The following is an entry in ClinVar:

ClinVar aggregate classification (germline): Uncertain significance. Review status: criteria provided, multiple submitters, no conflicts (2 of 4 stars). 2 submissions from 2 submitters: Uncertain significance (2). Last evaluated 2023-11-25.

Conditions:
Lethal Kniest-like syndrome (DDSH). Also called: Dyssegmental Dysplasia. Identifiers: Orphanet 1865, MedGen C1857100, MONDO:0009140, OMIM 224410.
Schwartz-Jampel syndrome type 1 (SJS1). Also called: MYOTONIC MYOPATHY, DWARFISM, CHONDRODYSTROPHY, AND OCULAR AND FACIAL ABNORMALITIES; CHONDRODYSTROPHIC MYOTONIA. Identifiers: MedGen C4551479, MONDO:0100435, OMIM 255800.

Allele frequency attached by ClinVar (database versions not stated): gnomAD 0.00002; TOPMed 0.00002; gnomAD exomes 0.00004.
gnomAD v4.1: 55 of 1,613,072 alleles (0.0034%); highest among the groups gnomAD compares: Non-Finnish European, 0.0044%; no homozygotes.

Submissions (2):

Labcorp Genetics (formerly Invitae), Labcorp
Classification: Uncertain significance. Last evaluated: 2023-11-25. Review status: criteria provided, single submitter. Criteria: Invitae Variant Classification Sherloc (09022015). Collection method: clinical testing. Allele origin: germline.
Comment: This sequence change replaces proline, which is neutral and non-polar, with leucine, which is neutral and non-polar, at codon 4152 of the HSPG2 protein (p.Pro4152Leu). This variant is not present in population databases (gnomAD no frequency). This variant has not been reported in the literature in individuals affected with HSPG2-related conditions. An algorithm developed to predict the effect of missense changes on protein structure and function (PolyPhen-2) suggests that this variant is likely to be disruptive. In summary, the available evidence is currently insufficient to determine the role of this variant in disease. Therefore, it has been classified as a Variant of Uncertain Significance.

Department of Pathology and Laboratory Medicine, Sinai Health System
Classification: Uncertain significance for Lethal Kniest-like syndrome; Schwartz-Jampel syndrome type 1. Last evaluated: 2023-09-01. Review status: criteria provided, single submitter. Criteria: ACMG Guidelines, 2015. Collection method: research. Allele origin: germline.

NM_005529.7(HSPG2):c.12455C>T (p.Pro4152Leu)

Gene: HSPG2 (heparan sulfate proteoglycan 2; minus strand). Cytogenetic location: 1p36.12.
Variant type: single nucleotide variant.
Coding change: c.12455C>T on transcript NM_005529.7 (MANE Select); coding-DNA position 12455, C replaced by T.
Protein change: p.Pro4152Leu; replaces proline 4152 with leucine.
Molecular consequence: missense variant.
Genome position (GRCh38, 1-based): chr1:21,828,107, G>A on the plus strand (C>T on the coding strand, the complement: HSPG2 is on the minus strand). VCF-style: chr1-21828107-G-A. GRCh37 (hg19) VCF-style: chr1-22154600-G-A.
Other names: c.12458C>T, p.Pro4153Leu (NM_001291860.2); short protein forms P4152L, P4153L.
Identifiers: ClinVar variation 2984296 (VCV002984296.4), dbSNP rs1377175184, ClinGen allele CA338899734.